The following is an entry in ClinVar:

ClinVar aggregate classification (germline): Uncertain significance (1 of 4 stars; one submission).

Conditions:
Cardiovascular phenotype. Identifiers: MedGen CN230736.

Submission:

Ambry Genetics
Classification: Uncertain significance for Cardiovascular phenotype. Last evaluated: 2026-02-03. Review status: criteria provided, single submitter. Criteria: Ambry Variant Classification Scheme 2023. Collection method: clinical testing. Allele origin: germline.
Comment: The p.S244P variant (also known as c.730T>C), located in coding exon 5 of the FHL1 gene, results from a T to C substitution at nucleotide position 730. The serine at codon 244 is replaced by proline, an amino acid with similar properties. This amino acid position is highly conserved in available vertebrate species. In addition, this alteration is predicted to be deleterious by in silico analysis. Based on the available evidence, the clinical significance of this variant remains unclear.

NM_001159699.2(FHL1):c.778T>C (p.Ser260Pro)

Gene: FHL1 (four and a half LIM domains 1; plus strand). Cytogenetic location: Xq26.3.
Variant type: single nucleotide variant.
Coding change: c.778T>C on transcript NM_001159699.2 (MANE Select); coding-DNA position 778, T replaced by C.
Protein change: p.Ser260Pro; replaces serine 260 with proline.
Molecular consequence: missense variant. On other transcripts: synonymous variant (7), non-coding transcript variant (1).
Genome position (GRCh38, 1-based): chrX:136,209,912, T>C. VCF-style: chrX-136209912-T-C. GRCh37 (hg19) VCF-style: chrX-135292071-T-C.
Other names: c.817T>C, p.Ser273Pro (NM_001159701.2); c.930T>C, p.Asn310= (NM_001159702.3, NM_001369326.1, NM_001369327.2 and 1 more transcripts); c.543T>C, p.Asn181= (NM_001159703.2); c.730T>C, p.Ser244Pro (NM_001159704.1, NM_001167819.1, NM_001369329.1 and 4 more transcripts); c.591T>C, p.Asn197= (NM_001330659.2); c.978T>C, p.Asn326= (NM_001440769.1); short protein forms S273P, S244P, S260P.
Identifiers: ClinVar variation 4824270 (VCV004824270.1).
Genomic context (GRCh38, chrX:136,209,912, plus strand): 5'-TCTTTTTTTTTCCCCCCAGGGTTTGGTAAAGGCTCCAGTGTGGTGGCCTATGAAGGACAA[T>C]CCTGGCACGACTACTGCTTCCACTGCAAAAAATGCTCCGTGAATCTGGCCAACAAGCGCT-3'
Protein context (NP_001153171.1, residues 250-270): GSSVVAYEGQ[Ser260Pro]WHDYCFHCKK